The following is an entry in ClinVar:

NM_057175.5(NAA15):c.655C>T (p.Gln219Ter)

Gene: NAA15 (N-alpha-acetyltransferase 15, NatA auxiliary subunit; plus strand). Cytogenetic location: 4q31.1.
Variant type: single nucleotide variant.
Coding change: c.655C>T on transcript NM_057175.5 (MANE Select); coding-DNA position 655, C replaced by T.
Protein change: p.Gln219Ter; replaces glutamine 219 with a stop codon.
Molecular consequence: nonsense.
Genome position (GRCh38, 1-based): chr4:139,344,303, C>T. VCF-style: chr4-139344303-C-T. GRCh37 (hg19) VCF-style: chr4-140265457-C-T.
Other names: c.655C>T, p.Gln219Ter (NM_001410842.1, NM_025085.2); short protein forms Q219*.
Identifiers: ClinVar variation 2627599 (VCV002627599.2), dbSNP rs2530379181, ClinGen allele CA358260797.

ClinVar aggregate classification (germline): Likely pathogenic (1 of 4 stars; one submission).

Conditions:
Intellectual developmental disorder, autosomal dominant 50, with behavioral abnormalities. Also called: Intellectual disability, autosomal dominant 50; MENTAL RETARDATION, AUTOSOMAL DOMINANT 50. Identifiers: MedGen C4540470, MONDO:0030916, OMIM 617787.

Submission:

Institute of Human Genetics, University of Leipzig Medical Center
Classification: Likely pathogenic for Intellectual developmental disorder, autosomal dominant 50, with behavioral abnormalities. Last evaluated: 2023-11-01. Review status: criteria provided, single submitter. Criteria: ACMG Guidelines, 2015. Collection method: clinical testing. Allele origin: paternal. Inheritance: Autosomal dominant inheritance. Affected: yes.
Comment: Criteria applied: PVS1,PM2_SUP